The following is an entry in ClinVar:

ClinVar aggregate classification (germline): Pathogenic (1 of 4 stars; one submission).

Submission:

Labcorp Genetics (formerly Invitae), Labcorp
Classification: Pathogenic. Last evaluated: 2020-06-23. Review status: criteria provided, single submitter. Criteria: Invitae Variant Classification Sherloc (09022015). Collection method: clinical testing. Allele origin: germline.
Comment: For these reasons, this variant has been classified as Pathogenic. Loss-of-function variants in ABCB11 are known to be pathogenic (PMID: 18395098, 20232290). This variant has not been reported in the literature in individuals with ABCB11-related conditions. This variant is not present in population databases (ExAC no frequency). This sequence change creates a premature translational stop signal (p.Gln813*) in the ABCB11 gene. It is expected to result in an absent or disrupted protein product.

Literature cited by the submitters: PubMed 18395098; PubMed 20232290.

NM_003742.4(ABCB11):c.2437C>T (p.Gln813Ter)

Gene: ABCB11 (ATP binding cassette subfamily B member 11; minus strand). Cytogenetic location: 2q31.1.
Variant type: single nucleotide variant.
Coding change: c.2437C>T on transcript NM_003742.4 (MANE Select); coding-DNA position 2437, C replaced by T.
Protein change: p.Gln813Ter; replaces glutamine 813 with a stop codon.
Molecular consequence: nonsense.
Genome position (GRCh38, 1-based): chr2:168,944,868, G>A on the plus strand (C>T on the coding strand, the complement: ABCB11 is on the minus strand). VCF-style: chr2-168944868-G-A. GRCh37 (hg19) VCF-style: chr2-169801378-G-A.
Other names: short protein forms Q813*.
Identifiers: ClinVar variation 1070101 (VCV001070101.7), dbSNP rs2105912800, ClinGen allele CA349127312.
Genomic context (GRCh38, chr2:168,944,868, plus strand): 5'-AAAAAAGGAAAAATAACTAAATCACTTACTGAAAAATAACATTTCTTACCTGTAGAAATT[G>A]GGTGAAAAGAGATACACAGCCCATTGCTACAAAAAGTAGGCACACACCATTGATCTGTGA-3'